The following is an entry in ClinVar:

NM_002317.7(LOX):c.1150T>C (p.Tyr384His)

Genes: LOX (lysyl oxidase; minus strand), SRFBP1 (serum response factor binding protein 1; plus strand). Cytogenetic location: 5q23.1.
Variant type: single nucleotide variant.
Coding change: c.1150T>C on transcript NM_002317.7 (MANE Select); coding-DNA position 1150, T replaced by C.
Protein change: p.Tyr384His; replaces tyrosine 384 with histidine.
Molecular consequence: missense variant.
Genome position (GRCh38, 1-based): chr5:122,070,150, A>G on the plus strand (T>C on the coding strand, the complement: LOX is on the minus strand). VCF-style: chr5-122070150-A-G. GRCh37 (hg19) VCF-style: chr5-121405845-A-G.
Other names: c.460T>C, p.Tyr154His (NM_001178102.2); c.259T>C, p.Tyr87His (NM_001317073.1); short protein forms Y384H, Y154H, Y87H.
Identifiers: ClinVar variation 2805905 (VCV002805905.3), dbSNP rs1754408984, ClinGen allele CA360880327.
Genomic context (GRCh38, chr5:122,070,150, plus strand): 5'-CTGTGTAGCGAATGTCACAGCGCACAACATTGTTGGTATAGTCAGATTCAGGAACCAGGT[A>G]GCTGGGGTTTACACTGACCTGGGCAACACAAAGAGTTCCTCAGTATTTCTTTTTCCATAG-3'
Protein context (NP_002308.2, residues 374-394): YILKVSVNPS[Tyr384His]LVPESDYTNN

ClinVar aggregate classification (germline): Uncertain significance (1 of 4 stars; one submission).

Allele frequency attached by ClinVar (database versions not stated): gnomAD exomes below 0.00001; TOPMed below 0.00001.
gnomAD v4.1: 1 of 1,611,178 alleles (0.000062%); highest among the groups gnomAD compares: Non-Finnish European, 0.000085%; no homozygotes.

Submission:

Labcorp Genetics (formerly Invitae), Labcorp
Classification: Uncertain significance. Last evaluated: 2024-04-06. Review status: criteria provided, single submitter. Criteria: Invitae Variant Classification Sherloc (09022015). Collection method: clinical testing. Allele origin: germline.
Comment: This sequence change replaces tyrosine, which is neutral and polar, with histidine, which is basic and polar, at codon 384 of the LOX protein (p.Tyr384His). This variant is not present in population databases (gnomAD no frequency). This variant has not been reported in the literature in individuals affected with LOX-related conditions. Advanced modeling of protein sequence and biophysical properties (such as structural, functional, and spatial information, amino acid conservation, physicochemical variation, residue mobility, and thermodynamic stability) has been performed at Invitae for this missense variant, however the output from this modeling did not meet the statistical confidence thresholds required to predict the impact of this variant on LOX protein function. In summary, the available evidence is currently insufficient to determine the role of this variant in disease. Therefore, it has been classified as a Variant of Uncertain Significance.